The following is an entry in ClinVar:

NM_001290043.2(TAP2):c.1148T>C (p.Leu383Pro)

Gene: TAP2 (transporter 2, ATP binding cassette subfamily B member; minus strand). Cytogenetic location: 6p21.32.
Variant type: single nucleotide variant.
Coding change: c.1148T>C on transcript NM_001290043.2 (MANE Select); coding-DNA position 1148, T replaced by C.
Protein change: p.Leu383Pro; replaces leucine 383 with proline.
Molecular consequence: missense variant.
Genome position (GRCh38, 1-based): chr6:32,832,457, A>G on the plus strand (T>C on the coding strand, the complement: TAP2 is on the minus strand). VCF-style: chr6-32832457-A-G. GRCh37 (hg19) VCF-style: chr6-32800234-A-G.
Other names: c.1148T>C, p.Leu383Pro (NM_018833.3, NM_000544.3); short protein forms L383P.
Identifiers: ClinVar variation 836124 (VCV000836124.1), dbSNP rs1769146102, ClinGen allele CA363583019.

ClinVar aggregate classification (germline): Uncertain significance (1 of 4 stars; one submission).

Conditions:
MHC class I deficiency. Identifiers: Orphanet 34592, MedGen C6024714, MONDO:0011476.

Submission:

Labcorp Genetics (formerly Invitae), Labcorp
Classification: Uncertain significance for Bare lymphocyte syndrome type 1. Last evaluated: 2019-03-18. Review status: criteria provided, single submitter. Criteria: Invitae Variant Classification Sherloc (09022015). Collection method: clinical testing. Allele origin: germline.
Comment: This sequence change replaces leucine with proline at codon 383 of the TAP2 protein (p.Leu383Pro). The leucine residue is moderately conserved and there is a moderate physicochemical difference between leucine and proline. This variant is not present in population databases (ExAC no frequency). This variant has not been reported in the literature in individuals with TAP2-related conditions. Algorithms developed to predict the effect of missense changes on protein structure and function are either unavailable or do not agree on the potential impact of this missense change (SIFT: "Deleterious"; PolyPhen-2: "Not Available"; Align-GVGD: "Class C0"). In summary, the available evidence is currently insufficient to determine the role of this variant in disease. Therefore, it has been classified as a Variant of Uncertain Significance.